The following is an entry in ClinVar:

NM_025137.4(SPG11):c.3143_3144dup (p.Asp1049fs)

Gene: SPG11 (SPG11 vesicle trafficking associated, spatacsin; minus strand). Cytogenetic location: 15q21.1.
Variant type: Duplication.
Coding change: c.3143_3144dup on transcript NM_025137.4 (MANE Select); coding-DNA positions 3143 to 3144, 2 bases duplicated (CA; older notation c.3143_3144dupCA).
Protein change: p.Asp1049fs; shifts the reading frame from aspartic acid 1049.
Molecular consequence: frameshift variant.
Genome position (GRCh38, 1-based): chr15:44,613,431-44,613,432, TG duplicated on the plus strand (CA on the coding strand, the reverse complement: SPG11 is on the minus strand); duplicating any 2 consecutive bases within chr15:44,613,431-44,613,433 gives the same sequence; the c. name uses the placement nearest the transcript's 3' end. VCF-style (leftmost placement, unchanged base first): chr15-44613430-C-CTG. GRCh37 (hg19) VCF-style: chr15-44905628-C-CTG.
Other names: c.3143_3144dup, p.Asp1049fs (NM_001160227.2, NM_001411132.1); short protein forms D1049fs.
Identifiers: ClinVar variation 2736195 (VCV002736195.4), dbSNP rs2505500550, ClinGen allele CA2695220079.

ClinVar aggregate classification (germline): Pathogenic. Review status: criteria provided, multiple submitters, no conflicts (2 of 4 stars). 3 submissions from 3 submitters: Pathogenic (2). 1 of the submissions does not count toward it. Last evaluated 2023-12-12.

Conditions:
Charcot-Marie-Tooth disease axonal type 2X. Also called: CHARCOT-MARIE-TOOTH DISEASE, AXONAL, AUTOSOMAL RECESSIVE, TYPE 2X; CHARCOT-MARIE-TOOTH NEUROPATHY, TYPE 2X. Identifiers: Orphanet 466775, MedGen C5569024, MONDO:0014726, OMIM 616668.
Hereditary spastic paraplegia 11. Also called: Spastic Paraplegia 11; Spastic paraplegia, mental retardation and thin corpus callosum; SPASTIC PARAPLEGIA, AUTOSOMAL RECESSIVE, COMPLICATED, WITH THIN CORPUS CALLOSUM; SPASTIC PARAPLEGIA, AUTOSOMAL RECESSIVE, WITH MENTAL IMPAIRMENT AND THIN CORPUS CALLOSUM; Nakamura Osame syndrome; Autosomal recessive hereditary spastic paraplegia, mental impairment, and thin corpus callosum. Identifiers: Orphanet 2822, MedGen C1858479, MONDO:0011445, OMIM 604360.

Submissions (3):

Genomic Research Center, Shahid Beheshti University of Medical Sciences
Classification: Pathogenic for Hereditary spastic paraplegia 11. Last evaluated: 2023-12-12. Review status: criteria provided, single submitter. Criteria: ACMG Guidelines, 2015. Collection method: clinical testing. Allele origin: inherited. Affected: yes. Observed: 1 homozygote.
Comment: This variant is predicted to result in loss of function through a premature stop codon or disruption of normal splicing. Loss of function is a well-established disease mechanism for this gene. The variant is absent in population databases. In addition, it has been previously reported as pathogenic by reputable submitter in clinvar(VCV002736195.2)

Labcorp Genetics (formerly Invitae), Labcorp
Classification: Pathogenic for Hereditary spastic paraplegia 11. Last evaluated: 2023-07-26. Review status: criteria provided, single submitter. Criteria: Invitae Variant Classification Sherloc (09022015). Collection method: clinical testing. Allele origin: germline.
Comment: This variant is not present in population databases (gnomAD no frequency). For these reasons, this variant has been classified as Pathogenic. This variant is also known as c.3145_3146insCA (p.T1048fs1053X). This premature translational stop signal has been observed in individual(s) with SPG11-related conditions (PMID: 18067136). This sequence change creates a premature translational stop signal (p.Asp1049Glnfs*5) in the SPG11 gene. It is expected to result in an absent or disrupted protein product. Loss-of-function variants in SPG11 are known to be pathogenic (PMID: 19105190, 20110243, 22154821, 26556829).

Next Generation Genetic Polyclinic
Classification: Pathogenic for Charcot-Marie-Tooth disease axonal type 2X. Review status: no assertion criteria provided. Collection method: clinical testing. Allele origin: inherited. Affected: yes. Not counted in ClinVar's aggregate classification.

Literature cited by the submitters: PubMed 18067136 (cited by Labcorp Genetics (formerly Invitae), Labcorp); PubMed 19105190 (cited by Labcorp Genetics (formerly Invitae), Labcorp); PubMed 20110243 (cited by Labcorp Genetics (formerly Invitae), Labcorp); PubMed 22154821 (cited by Labcorp Genetics (formerly Invitae), Labcorp); PubMed 26556829 (cited by Labcorp Genetics (formerly Invitae), Labcorp).